The following is an entry in ClinVar:

ClinVar aggregate classification (germline): Uncertain significance. Review status: criteria provided, multiple submitters, no conflicts (2 of 4 stars). 2 submissions from 2 submitters: Uncertain significance (2). Last evaluated 2025-09-25.

Conditions:
Inborn genetic diseases. Identifiers: MedGen C0950123, MeSH D030342.

Submissions (2):

Ambry Genetics
Classification: Uncertain significance for Inborn genetic diseases. Last evaluated: 2025-09-25. Review status: criteria provided, single submitter. Criteria: Ambry Variant Classification Scheme 2023. Collection method: clinical testing. Allele origin: germline.

Labcorp Genetics (formerly Invitae), Labcorp
Classification: Uncertain significance. Last evaluated: 2020-12-17. Review status: criteria provided, single submitter. Criteria: Invitae Variant Classification Sherloc (09022015). Collection method: clinical testing. Allele origin: germline.
Comment: In summary, the available evidence is currently insufficient to determine the role of this variant in disease. Therefore, it has been classified as a Variant of Uncertain Significance. This sequence change replaces leucine with proline at codon 154 of the P3H2 protein (p.Leu154Pro). The leucine residue is moderately conserved and there is a moderate physicochemical difference between leucine and proline. This variant is not present in population databases (ExAC no frequency). This variant has not been reported in the literature in individuals with P3H2-related conditions. Algorithms developed to predict the effect of missense changes on protein structure and function are either unavailable or do not agree on the potential impact of this missense change (SIFT: "Deleterious"; PolyPhen-2: "Probably Damaging"; Align-GVGD: "Class C0").

NM_018192.4(P3H2):c.461T>C (p.Leu154Pro)

Gene: P3H2 (prolyl 3-hydroxylase 2; minus strand). Cytogenetic location: 3q28.
Variant type: single nucleotide variant.
Coding change: c.461T>C on transcript NM_018192.4 (MANE Select); coding-DNA position 461, T replaced by C.
Protein change: p.Leu154Pro; replaces leucine 154 with proline.
Molecular consequence: missense variant. On other transcripts: intron variant (1).
Genome position (GRCh38, 1-based): chr3:190,120,271, A>G on the plus strand (T>C on the coding strand, the complement: P3H2 is on the minus strand). VCF-style: chr3-190120271-A-G. GRCh37 (hg19) VCF-style: chr3-189838060-A-G.
Other names: c.-64+1932T>C (NM_001134418.2); c.461T>C (NM_018192.3); short protein forms L154P.
Identifiers: ClinVar variation 1486413 (VCV001486413.9), dbSNP rs764615189, ClinGen allele CA355859430.